The following is an entry in ClinVar:

ClinVar aggregate classification (germline): Uncertain significance (1 of 4 stars; one submission).

Conditions:
Primary ciliary dyskinesia. Also called: Ciliary dyskinesia. Identifiers: Orphanet 244, MedGen C0008780, MONDO:0016575, HP:0012265.

gnomAD v4.1: 12 of 1,613,128 alleles (0.00074%); highest among the groups gnomAD compares: African/African-American, 0.008%; no homozygotes.

Submission:

Ambry Genetics
Classification: Uncertain significance for Primary ciliary dyskinesia. Last evaluated: 2025-02-10. Review status: criteria provided, single submitter. Criteria: Ambry Variant Classification Scheme 2023. Collection method: clinical testing. Allele origin: germline.
Comment: The p.D579N variant (also known as c.1735G>A), located in coding exon 4 of the RSPH4A gene, results from a G to A substitution at nucleotide position 1735. The aspartic acid at codon 579 is replaced by asparagine, an amino acid with highly similar properties. This amino acid position is conserved. In addition, this alteration is predicted to be tolerated by in silico analysis. Based on the available evidence, the clinical significance of this variant remains unclear.

NM_001010892.3(RSPH4A):c.1735G>A (p.Asp579Asn)

Gene: RSPH4A (radial spoke head component 4A; plus strand). Cytogenetic location: 6q22.1.
Variant type: single nucleotide variant.
Coding change: c.1735G>A on transcript NM_001010892.3 (MANE Select); coding-DNA position 1735, G replaced by A.
Protein change: p.Asp579Asn; replaces aspartic acid 579 with asparagine.
Molecular consequence: missense variant. On other transcripts: intron variant (1).
Genome position (GRCh38, 1-based): chr6:116,629,639, G>A. VCF-style: chr6-116629639-G-A. GRCh37 (hg19) VCF-style: chr6-116950802-G-A.
Other names: c.1663-796G>A (NM_001161664.2); short protein forms D579N.
Identifiers: ClinVar variation 3790873 (VCV003790873.1).